The following is an entry in ClinVar:

NM_030665.4(RAI1):c.4575_4576delinsTA (p.Gln1525_Pro1526delinsHisThr)

Gene: RAI1 (retinoic acid induced 1; plus strand). Cytogenetic location: 17p11.2.
Variant type: Indel.
Coding change: c.4575_4576delinsTA on transcript NM_030665.4 (MANE Select); coding-DNA positions 4575 to 4576, GC replaced by TA.
Protein change: p.Gln1525_Pro1526delinsHisThr.
Molecular consequence: missense variant.
Genome position (GRCh38, 1-based): chr17:17,797,523-17,797,524, GC replaced by TA. VCF-style: chr17-17797523-GC-TA. GRCh37 (hg19) VCF-style: chr17-17700837-GC-TA.
Identifiers: ClinVar variation 4721840 (VCV004721840.1).

ClinVar aggregate classification (germline): Uncertain significance (1 of 4 stars; one submission).

Submission:

Labcorp Genetics (formerly Invitae), Labcorp
Classification: Uncertain significance. Last evaluated: 2025-06-22. Review status: criteria provided, single submitter. Criteria: Invitae Variant Classification Sherloc (09022015). Collection method: clinical testing. Allele origin: germline.
Comment: This variant, c.4575_4576delinsTA, is a complex sequence change that results in the deletion of 2 and insertion of 2 amino acid(s) in the RAI1 protein (p.Gln1525_Pro1526delinsHisThr). Information on the frequency of this variant in the gnomAD database is not available, as this variant may be reported differently in the database. This variant has not been reported in the literature in individuals affected with RAI1-related conditions. Experimental studies and prediction algorithms are not available or were not evaluated, and the functional significance of this variant is currently unknown. In summary, the available evidence is currently insufficient to determine the role of this variant in disease. Therefore, it has been classified as a Variant of Uncertain Significance.